The following is an entry in ClinVar:

ClinVar aggregate classification (germline): Pathogenic (1 of 4 stars; one submission).

Conditions:
Hypertrophic cardiomyopathy. Also called: HYPERTROPHIC MYOCARDIOPATHY. Identifiers: Orphanet 217569, MedGen C0007194, MeSH D002312, MONDO:0005045, HP:0001639.

Submission:

Laboratory for Molecular Medicine, Mass General Brigham Personalized Medicine
Classification: Pathogenic for Hypertrophic cardiomyopathy. Last evaluated: 2013-04-20. Review status: criteria provided, single submitter. Criteria: LMM Criteria. Collection method: clinical testing. Allele origin: germline. Observed: 2 variant alleles.
Comment: The Leu1030fs variant in MYBPC3 has not been reported in individuals with cardio myopathy. This frameshift variant is predicted to alter the protein?s amino acid sequence beginning at position 1030 and lead to a premature termination codon 1 2 amino acids downstream. This alteration is then predicted to lead to a truncat ed or absent protein. Frameshift and other truncating variants in MYBPC3 are est ablished as pathogenic for HCM. In summary, this variant meets our criteria to b e classified as pathogenic based upon the predic ted impact of the variant.

NM_000256.3(MYBPC3):c.3089_3101del (p.Leu1030fs)

Gene: MYBPC3 (myosin binding protein C3; minus strand). Cytogenetic location: 11p11.2.
Variant type: Deletion.
Coding change: c.3089_3101del on transcript NM_000256.3 (MANE Select); coding-DNA positions 3089 to 3101, 13 bases deleted (TGTTCATCCGGGC).
Protein change: p.Leu1030fs; shifts the reading frame from leucine 1030.
Genome position (GRCh38, 1-based): chr11:47,333,646-47,333,658, GCCCGGATGAACA deleted on the plus strand (TGTTCATCCGGGC on the coding strand, the reverse complement: MYBPC3 is on the minus strand); deleting any 13 consecutive bases within chr11:47,333,646-47,333,659 gives the same sequence; the c. name uses the placement nearest the transcript's 3' end. VCF-style (leftmost placement, unchanged base first): chr11-47333645-GGCCCGGATGAACA-G. GRCh37 (hg19) VCF-style: chr11-47355196-GGCCCGGATGAACA-G.
Other names: short protein forms L1030fs.
Identifiers: ClinVar variation 164049 (VCV000164049.4), dbSNP rs727503175, ClinGen allele CA013448.